The following is an entry in ClinVar:

ClinVar aggregate classification (germline): Uncertain significance (1 of 4 stars; one submission).

gnomAD v4.1: 3 of 1,614,160 alleles (0.00019%); highest among the groups gnomAD compares: East Asian, 0.0067%; no homozygotes.

Submission:

Labcorp Genetics (formerly Invitae), Labcorp
Classification: Uncertain significance. Last evaluated: 2024-03-15. Review status: criteria provided, single submitter. Criteria: Invitae Variant Classification Sherloc (09022015). Collection method: clinical testing. Allele origin: germline.
Comment: This sequence change replaces cysteine, which is neutral and slightly polar, with serine, which is neutral and polar, at codon 380 of the MTOR protein (p.Cys380Ser). This variant is not present in population databases (gnomAD no frequency). This variant has not been reported in the literature in individuals affected with MTOR-related conditions. Advanced modeling of protein sequence and biophysical properties (such as structural, functional, and spatial information, amino acid conservation, physicochemical variation, residue mobility, and thermodynamic stability) performed at Invitae indicates that this missense variant is not expected to disrupt MTOR protein function with a negative predictive value of 95%. In summary, the available evidence is currently insufficient to determine the role of this variant in disease. Therefore, it has been classified as a Variant of Uncertain Significance.

NM_004958.4(MTOR):c.1139G>C (p.Cys380Ser)

Gene: MTOR (mechanistic target of rapamycin kinase; minus strand). Cytogenetic location: 1p36.22.
Variant type: single nucleotide variant.
Coding change: c.1139G>C on transcript NM_004958.4 (MANE Select); coding-DNA position 1139, G replaced by C.
Protein change: p.Cys380Ser; replaces cysteine 380 with serine.
Molecular consequence: missense variant. On other transcripts: intron variant (1).
Genome position (GRCh38, 1-based): chr1:11,247,711, C>G on the plus strand (G>C on the coding strand, the complement: MTOR is on the minus strand). VCF-style: chr1-11247711-C-G. GRCh37 (hg19) VCF-style: chr1-11307768-C-G.
Other names: c.1139G>C, p.Cys380Ser (NM_001386500.1); c.-24+108G>C (NM_001386501.1); short protein forms C380S.
Identifiers: ClinVar variation 3711133 (VCV003711133.2).